The following is an entry in ClinVar:

ClinVar aggregate classification (germline): Uncertain significance (1 of 4 stars; one submission).

gnomAD v4.1: 1 of 603,100 alleles (0.00017%); highest among the groups gnomAD compares: Non-Finnish European, 0.00021%; no homozygotes.

Submission:

CeGaT Center for Human Genetics Tuebingen
Classification: Uncertain significance. Last evaluated: 2024-09-01. Review status: criteria provided, single submitter. Criteria: CeGaT Center For Human Genetics Tuebingen Variant Classification Criteria Version 2. Collection method: clinical testing. Allele origin: germline. Affected: yes. Observed: 1 variant allele.
Comment: EEF1A2: PM2, PP2

NM_001958.5(EEF1A2):c.*120C>T

Gene: EEF1A2 (eukaryotic translation elongation factor 1 alpha 2; minus strand). Cytogenetic location: 20q13.33.
Variant type: single nucleotide variant.
Coding change: c.*120C>T on transcript NM_001958.5 (MANE Select); 120 bases downstream of the stop codon, C replaced by T.
Molecular consequence: 3 prime UTR variant.
Genome position (GRCh38, 1-based): chr20:63,488,178, G>A on the plus strand (C>T on the coding strand, the complement: EEF1A2 is on the minus strand). VCF-style: chr20-63488178-G-A. GRCh37 (hg19) VCF-style: chr20-62119531-G-A.
Identifiers: ClinVar variation 3389643 (VCV003389643.14).